The following is an entry in ClinVar:

ClinVar aggregate classification (germline): Pathogenic. Review status: criteria provided, multiple submitters, no conflicts (2 of 4 stars). 3 submissions from 3 submitters: Pathogenic (3). Last evaluated 2025-12-22.

Conditions:
Hereditary spastic paraplegia 4. Also called: Familial spastic paraplegia autosomal dominant 2; Spastic paraplegia 4, autosomal dominant; Spastic Paraplegia 4. Identifiers: Orphanet 100985, MedGen C1866855, MONDO:0008438, OMIM 182601.

Submissions (3):

Labcorp Genetics (formerly Invitae), Labcorp
Classification: Pathogenic for Hereditary spastic paraplegia 4. Last evaluated: 2025-12-22. Review status: criteria provided, single submitter. Criteria: Invitae Variant Classification Sherloc (09022015). Collection method: clinical testing. Allele origin: germline.
Comment: This sequence change creates a premature translational stop signal (p.His289Glnfs*8) in the SPAST gene. It is expected to result in an absent or disrupted protein product. Loss-of-function variants in SPAST are known to be pathogenic (PMID: 20932283). This variant is not present in population databases (gnomAD no frequency). This premature translational stop signal has been observed in individuals with hereditary spastic paraplegia (PMID: 26671083). Invitae Evidence Modeling of clinical and family history, age, sex, and reported ancestry of multiple individuals with this SPAST variant has been performed. This variant is expected to be pathogenic with a positive predictive value of at least 99%. This is a validated machine learning model that incorporates the clinical features of 4,195 individuals referred to our laboratory for SPAST testing. ClinVar contains an entry for this variant (Variation ID: 586667). For these reasons, this variant has been classified as Pathogenic.

GeneDx
Classification: Pathogenic. Last evaluated: 2018-10-25. Review status: criteria provided, single submitter. Criteria: GeneDx Variant Classification (06012015). Collection method: clinical testing. Allele origin: germline. Affected: yes.
Comment: The c.867_868delTA pathogenic variant in the SPAST gene has been previously reported in association with HSP (Elert-Dobkowska et al., 2015). The deletion causes a frameshift starting with codon Histidine 289, changes this amino acid to a Glutamine residue and creates a premature Stop codon at position 8 of the new reading frame, denoted p.His289GlnfsX8. This variant is predicted to cause loss of normal protein function either through protein truncation or nonsense-mediated mRNA decay. The c.867_868delTA variant is not observed in large population cohorts (Lek et al., 2016). Therefore, the c.867_868delTA variant is considered a pathogenic variant, and its presence is consistent with a diagnosis of spastic paraplegia type 4 in this individual.

Athena Diagnostics
Classification: Pathogenic. Last evaluated: 2017-09-13. Review status: criteria provided, single submitter. Criteria: Athena Diagnostics Criteria. Collection method: clinical testing. Allele origin: germline.

Literature cited by the submitters: PubMed 20932283 (cited by Labcorp Genetics (formerly Invitae), Labcorp); PubMed 26671083 (cited by Labcorp Genetics (formerly Invitae), Labcorp and Athena Diagnostics).

NM_014946.4(SPAST):c.867_868del (p.His289fs)

Gene: SPAST (spastin; plus strand). Cytogenetic location: 2p22.3.
Variant type: Deletion.
Coding change: c.867_868del on transcript NM_014946.4 (MANE Select); coding-DNA positions 867 to 868, 2 bases deleted (TA; older notation c.867_868delTA).
Protein change: p.His289fs; shifts the reading frame from histidine 289.
Molecular consequence: frameshift variant.
Genome position (GRCh38, 1-based): chr2:32,114,822-32,114,823, TA deleted; deleting any 2 consecutive bases within chr2:32,114,821-32,114,823 gives the same sequence; the c. name uses the placement nearest the transcript's 3' end. VCF-style (leftmost placement, unchanged base first): chr2-32114820-CAT-C. GRCh37 (hg19) VCF-style: chr2-32339889-CAT-C.
Other names: c.867_868delTA (NM_014946.3); c.864_865del, p.His288fs (NM_001363823.2); c.768_769del, p.His256fs (NM_001363875.2); c.771_772del, p.His257fs (NM_001377959.1, NM_199436.2); short protein forms H288fs, H256fs, H257fs, H289fs.
Identifiers: ClinVar variation 586667 (VCV000586667.11), dbSNP rs1558323659, ClinGen allele CA891842675.